The following is an entry in ClinVar:

ClinVar aggregate classification (germline): Uncertain significance (1 of 4 stars; one submission).

gnomAD v4.1: 2 of 1,606,406 alleles (0.00012%); no homozygotes.

Submission:

Labcorp Genetics (formerly Invitae), Labcorp
Classification: Uncertain significance. Last evaluated: 2025-10-20. Review status: criteria provided, single submitter. Criteria: Invitae Variant Classification Sherloc (09022015). Collection method: clinical testing. Allele origin: germline.
Comment: This sequence change replaces lysine, which is basic and polar, with isoleucine, which is neutral and non-polar, at codon 418 of the SUCO protein (p.Lys418Ile). This variant is not present in population databases (gnomAD no frequency). This variant has not been reported in the literature in individuals affected with SUCO-related conditions. An algorithm developed to predict the effect of missense changes on protein structure and function (PolyPhen-2) suggests that this variant is likely to be disruptive. In summary, the available evidence is currently insufficient to determine the role of this variant in disease. Therefore, it has been classified as a Variant of Uncertain Significance.

NM_014283.5(SUCO):c.1253A>T (p.Lys418Ile)

Gene: SUCO (SUN domain containing ossification factor; plus strand). Cytogenetic location: 1q24.3.
Variant type: single nucleotide variant.
Coding change: c.1253A>T on transcript NM_014283.5 (MANE Select); coding-DNA position 1253, A replaced by T.
Protein change: p.Lys418Ile; replaces lysine 418 with isoleucine.
Molecular consequence: missense variant. On other transcripts: 5 prime UTR variant (1).
Genome position (GRCh38, 1-based): chr1:172,575,613, A>T. VCF-style: chr1-172575613-A-T. GRCh37 (hg19) VCF-style: chr1-172544753-A-T.
Other names: c.1142A>T, p.Lys381Ile (NM_001282750.2); c.-277A>T (NM_001282751.2); c.1727A>T, p.Lys576Ile (NM_016227.4); short protein forms K381I, K576I, K418I.
Identifiers: ClinVar variation 4727686 (VCV004727686.1).
Genomic context (GRCh38, chr1:172,575,613, plus strand): 5'-TTCATGGTAGAGATGAGCGGAATGTACAGAGTTTCCCTTTAGATGAACAGATGTATGCAA[A>T]ATATGTCAAGGTAATGTTTACACATACAGGACTATGTTCTATAATGAAAATATACGTGTT-3'
Protein context (NP_055098.1, residues 408-428): SFPLDEQMYA[Lys418Ile]YVKMFIKYIK